The following is an entry in ClinVar:

NM_006904.7(PRKDC):c.12006G>A (p.Met4002Ile)

Gene: PRKDC (protein kinase, DNA-activated, catalytic subunit; minus strand). Cytogenetic location: 8q11.21.
Variant type: single nucleotide variant.
Coding change: c.12006G>A on transcript NM_006904.7 (MANE Select); coding-DNA position 12006, G replaced by A.
Protein change: p.Met4002Ile; replaces methionine 4002 with isoleucine.
Molecular consequence: missense variant.
Genome position (GRCh38, 1-based): chr8:47,777,722, C>T on the plus strand (G>A on the coding strand, the complement: PRKDC is on the minus strand). VCF-style: chr8-47777722-C-T. GRCh37 (hg19) VCF-style: chr8-48690283-C-T.
Other names: c.11913G>A, p.Met3971Ile (NM_001081640.2); short protein forms M3971I, M4002I.
Identifiers: ClinVar variation 1747301 (VCV001747301.2), dbSNP rs2551859679, ClinGen allele CA371128089.

ClinVar aggregate classification (germline): Uncertain significance (1 of 4 stars; one submission).

Submission:

Ambry Genetics
Classification: Uncertain significance. Last evaluated: 2021-08-29. Review status: criteria provided, single submitter. Criteria: Ambry Variant Classification Scheme 2023. Collection method: clinical testing. Allele origin: germline.
Comment: The p.M4002I variant (also known as c.12006G>A), located in coding exon 84 of the PRKDC gene, results from a G to A substitution at nucleotide position 12006. The methionine at codon 4002 is replaced by isoleucine, an amino acid with highly similar properties. This amino acid position is conserved. In addition, the in silico prediction for this alteration is inconclusive. Since supporting evidence is limited at this time, the clinical significance of this alteration remains unclear.